The following is an entry in ClinVar:

ClinVar aggregate classification (germline): Uncertain significance (1 of 4 stars; one submission).

Conditions:
Vici syndrome (VICIS). Identifiers: Orphanet 1493, MedGen C1855772, MONDO:0009452, OMIM 242840.

Submission:

Labcorp Genetics (formerly Invitae), Labcorp
Classification: Uncertain significance for Vici syndrome. Last evaluated: 2019-08-26. Review status: criteria provided, single submitter. Criteria: Invitae Variant Classification Sherloc (09022015). Collection method: clinical testing. Allele origin: germline.
Comment: In summary, the available evidence is currently insufficient to determine the role of this variant in disease. Therefore, it has been classified as a Variant of Uncertain Significance. Algorithms developed to predict the effect of missense changes on protein structure and function (SIFT, PolyPhen-2, Align-GVGD) all suggest that this variant is likely to be tolerated, but these predictions have not been confirmed by published functional studies and their clinical significance is uncertain. This variant has not been reported in the literature in individuals with EPG5-related conditions. This variant is not present in population databases (ExAC no frequency). This sequence change replaces alanine with serine at codon 2458 of the EPG5 protein (p.Ala2458Ser). The alanine residue is moderately conserved and there is a moderate physicochemical difference between alanine and serine.

NM_020964.3(EPG5):c.7372G>T (p.Ala2458Ser)

Gene: EPG5 (ectopic P-granules 5 autophagy tethering factor; minus strand). Cytogenetic location: 18q12.3.
Variant type: single nucleotide variant.
Coding change: c.7372G>T on transcript NM_020964.3 (MANE Select); coding-DNA position 7372, G replaced by T.
Protein change: p.Ala2458Ser; replaces alanine 2458 with serine.
Molecular consequence: missense variant.
Genome position (GRCh38, 1-based): chr18:45,857,923, C>A on the plus strand (G>T on the coding strand, the complement: EPG5 is on the minus strand). VCF-style: chr18-45857923-C-A. GRCh37 (hg19) VCF-style: chr18-43437888-C-A.
Other names: short protein forms A2458S.
Identifiers: ClinVar variation 957540 (VCV000957540.10), dbSNP rs2048549989, ClinGen allele CA402335914.